The following is an entry in ClinVar:

NM_005751.5(AKAP9):c.457A>C (p.Ser153Arg)

Gene: AKAP9 (A-kinase anchoring protein 9; plus strand). Cytogenetic location: 7q21.2.
Variant type: single nucleotide variant.
Coding change: c.457A>C on transcript NM_005751.5 (MANE Select); coding-DNA position 457, A replaced by C.
Protein change: p.Ser153Arg; replaces serine 153 with arginine.
Molecular consequence: missense variant.
Genome position (GRCh38, 1-based): chr7:91,992,936, A>C. VCF-style: chr7-91992936-A-C. GRCh37 (hg19) VCF-style: chr7-91622250-A-C.
Other names: c.457A>C, p.Ser153Arg (NM_147185.3); short protein forms S153R.
Identifiers: ClinVar variation 3646321 (VCV003646321.2).

ClinVar aggregate classification (germline): Uncertain significance (1 of 4 stars; one submission).

Conditions:
Long QT syndrome (LQTS). Identifiers: MedGen C0023976, MeSH D008133, MONDO:0002442. Disease mechanism: loss of function. Inheritance: Various modes of inheritance.

gnomAD v4.1: 1 of 1,614,130 alleles (0.000062%); highest among the groups gnomAD compares: Non-Finnish European, 0.000085%; no homozygotes.

Submission:

Labcorp Genetics (formerly Invitae), Labcorp
Classification: Uncertain significance for Long QT syndrome. Last evaluated: 2024-03-16. Review status: criteria provided, single submitter. Criteria: Invitae Variant Classification Sherloc (09022015). Collection method: clinical testing. Allele origin: germline.
Comment: This sequence change replaces serine, which is neutral and polar, with arginine, which is basic and polar, at codon 153 of the AKAP9 protein (p.Ser153Arg). This variant is not present in population databases (gnomAD no frequency). This variant has not been reported in the literature in individuals affected with AKAP9-related conditions. An algorithm developed to predict the effect of missense changes on protein structure and function (PolyPhen-2) suggests that this variant is likely to be disruptive. In summary, the available evidence is currently insufficient to determine the role of this variant in disease. Therefore, it has been classified as a Variant of Uncertain Significance.